The following is an entry in ClinVar:

NM_004655.4(AXIN2):c.606T>C (p.Ser202=)

Gene: AXIN2 (axin 2; minus strand). Cytogenetic location: 17q24.1.
Variant type: single nucleotide variant.
Coding change: c.606T>C on transcript NM_004655.4 (MANE Select); coding-DNA position 606, T replaced by C.
Protein change: p.Ser202=; no amino-acid change (serine 202 retained).
Molecular consequence: synonymous variant.
Genome position (GRCh38, 1-based): chr17:65,558,015, A>G on the plus strand (T>C on the coding strand, the complement: AXIN2 is on the minus strand). VCF-style: chr17-65558015-A-G. GRCh37 (hg19) VCF-style: chr17-63554133-A-G.
Other names: c.606T>C, p.Ser202= (NM_001363813.1).
Identifiers: ClinVar variation 3254245 (VCV003254245.1), dbSNP rs2144584051.

ClinVar aggregate classification (germline): Benign (1 of 4 stars; one submission).

Conditions:
Oligodontia-cancer predisposition syndrome. Also called: TOOTH AGENESIS-COLORECTAL CANCER SYNDROME. Identifiers: Orphanet 300576, MedGen C1837750, MONDO:0012075, OMIM 608615. Disease mechanism: loss of function.

Submission:

Myriad Genetics, Inc.
Classification: Benign for Oligodontia-cancer predisposition syndrome. Last evaluated: 2024-06-27. Review status: criteria provided, single submitter. Criteria: Myriad Autosomal Dominant, Autosomal Recessive and X-Linked Classification Criteria (2023). Collection method: clinical testing. Allele origin: unknown.
Comment: This variant is considered benign. This variant is a silent/synonymous amino acid change and it is not expected to impact splicing.